The following is an entry in ClinVar:

ClinVar aggregate classification (germline): Pathogenic (1 of 4 stars; one submission).

Conditions:
Familial cancer of breast. Also called: BREAST CANCER, FAMILIAL; Hereditary breast cancer; hereditary breast carcinoma. Identifiers: Orphanet 227535, MedGen C0346153, MONDO:0016419, OMIM 114480. Disease mechanism: loss of function.

Submission:

Myriad Genetics, Inc.
Classification: Pathogenic for Familial cancer of breast. Last evaluated: 2026-05-15. Review status: criteria provided, single submitter. Criteria: Myriad Autosomal Dominant, Autosomal Recessive and X-Linked Classification Criteria (2023). Collection method: clinical testing. Allele origin: unknown.
Comment: This variant is considered pathogenic. This variant creates a frameshift predicted to result in premature protein truncation.

NM_000051.4(ATM):c.3942dup (p.Ala1315fs)

Gene: ATM (ATM serine/threonine kinase; plus strand). Cytogenetic location: 11q22.3.
Variant type: Duplication.
Coding change: c.3942dup on transcript NM_000051.4 (MANE Select); coding-DNA position 3942, one base duplicated (T; older notation c.3942dupT).
Protein change: p.Ala1315fs; shifts the reading frame from alanine 1315.
Molecular consequence: frameshift variant.
Genome position (GRCh38, 1-based): chr11:108,284,422, T duplicated. VCF-style (leftmost placement, unchanged base first): chr11-108284421-C-CT. GRCh37 (hg19) VCF-style: chr11-108155148-C-CT.
Other names: c.3942dup, p.Ala1315fs (NM_001351834.2); short protein forms A1315fs.
Identifiers: ClinVar variation 4876052 (VCV004876052.1).